The following is an entry in ClinVar:

NM_012200.4(B3GAT3):c.560A>C (p.Gln187Pro)

Gene: B3GAT3 (beta-1,3-glucuronyltransferase 3; minus strand). Cytogenetic location: 11q12.3.
Variant type: single nucleotide variant.
Coding change: c.560A>C on transcript NM_012200.4 (MANE Select); coding-DNA position 560, A replaced by C.
Protein change: p.Gln187Pro; replaces glutamine 187 with proline.
Molecular consequence: missense variant. On other transcripts: non-coding transcript variant (1).
Genome position (GRCh38, 1-based): chr11:62,617,045, T>G on the plus strand (A>C on the coding strand, the complement: B3GAT3 is on the minus strand). VCF-style: chr11-62617045-T-G. GRCh37 (hg19) VCF-style: chr11-62384517-T-G.
Other names: c.539A>C, p.Gln180Pro (NM_001288721.2); c.560A>C, p.Gln187Pro (NM_001288722.2, NM_001288723.2); short protein forms Q180P, Q187P.
Identifiers: ClinVar variation 2037445 (VCV002037445.1), dbSNP rs2496238730, ClinGen allele CA380976756.
Genomic context (GRCh38, chr11:62,617,045, plus strand): 5'-ACCTCCTCAAACAGCTCCCGGCTGTAGGTGTTGTCATCGTCAGCAAAGTAGACGACTCCT[T>G]GGGTCCCTGGTGGTGGTGGGTCCTTCTCCCCACCCACAGCACCCCCTCTGCCCCGGAGCC-3'
Protein context (NP_036332.2, residues 177-197): GEKDPPPPGT[Gln187Pro]GVVYFADDDN

ClinVar aggregate classification (germline): Uncertain significance (1 of 4 stars; one submission).

Conditions:
Larsen-like syndrome, B3GAT3 type. Also called: Multiple joint dislocations, short stature, craniofacial dysmorphism, with or without congenital heart defects; MULTIPLE JOINT DISLOCATIONS, SHORT STATURE, AND CRANIOFACIAL DYSMORPHISM WITH OR WITHOUT CONGENITAL HEART DEFECTS. Identifiers: Orphanet 284139, MedGen CN034159, MONDO:0009511, OMIM 245600.

Submission:

Labcorp Genetics (formerly Invitae), Labcorp
Classification: Uncertain significance for Larsen-like syndrome, B3GAT3 type. Last evaluated: 2022-07-02. Review status: criteria provided, single submitter. Criteria: Invitae Variant Classification Sherloc (09022015). Collection method: clinical testing. Allele origin: germline.
Comment: This sequence change replaces glutamine, which is neutral and polar, with proline, which is neutral and non-polar, at codon 187 of the B3GAT3 protein (p.Gln187Pro). This variant is not present in population databases (gnomAD no frequency). This variant has not been reported in the literature in individuals affected with B3GAT3-related conditions. Algorithms developed to predict the effect of missense changes on protein structure and function output the following: SIFT: "Tolerated"; PolyPhen-2: "Benign"; Align-GVGD: "Class C0". The proline amino acid residue is found in multiple mammalian species, which suggests that this missense change does not adversely affect protein function. In summary, the available evidence is currently insufficient to determine the role of this variant in disease. Therefore, it has been classified as a Variant of Uncertain Significance.